The following is an entry in ClinVar:

NM_002432.3(MNDA):c.323A>T (p.Glu108Val)

Gene: MNDA (myeloid cell nuclear differentiation antigen; plus strand). Cytogenetic location: 1q23.1.
Variant type: single nucleotide variant.
Coding change: c.323A>T on transcript NM_002432.3 (MANE Select); coding-DNA position 323, A replaced by T.
Protein change: p.Glu108Val; replaces glutamic acid 108 with valine.
Molecular consequence: missense variant.
Genome position (GRCh38, 1-based): chr1:158,843,336, A>T. VCF-style: chr1-158843336-A-T. GRCh37 (hg19) VCF-style: chr1-158813126-A-T.
Other names: short protein forms E108V.
Identifiers: ClinVar variation 2625382 (VCV002625382.2), dbSNP rs2526079175, ClinGen allele CA343038642.

ClinVar aggregate classification (germline): Uncertain significance (1 of 4 stars; one submission).

Submission:

Ambry Genetics
Classification: Uncertain significance. Last evaluated: 2023-07-15. Review status: criteria provided, single submitter. Criteria: Ambry Variant Classification Scheme 2023. Collection method: clinical testing. Allele origin: germline.
Comment: The p.E108V variant (also known as c.323A>T), located in coding exon 2 of the MNDA gene, results from an A to T substitution at nucleotide position 323. The glutamic acid at codon 108 is replaced by valine, an amino acid with dissimilar properties. This amino acid position is conserved. In addition, this alteration is predicted to be tolerated by in silico analysis. Since supporting evidence is limited at this time, the clinical significance of this alteration remains unclear.